The following is an entry in ClinVar:

ClinVar aggregate classification (germline): Uncertain significance (1 of 4 stars; one submission).

Allele frequency attached by ClinVar (database versions not stated): gnomAD exomes below 0.00001; TOPMed below 0.00001.
gnomAD v4.1: 3 of 1,614,216 alleles (0.00019%); highest among the groups gnomAD compares: Non-Finnish European, 0.00025%; no homozygotes.

Submission:

Labcorp Genetics (formerly Invitae), Labcorp
Classification: Uncertain significance. Last evaluated: 2022-07-06. Review status: criteria provided, single submitter. Criteria: Invitae Variant Classification Sherloc (09022015). Collection method: clinical testing. Allele origin: germline.
Comment: This sequence change falls in intron 5 of the MDH2 gene. It does not directly change the encoded amino acid sequence of the MDH2 protein. This variant is present in population databases (rs782818601, gnomAD 0.002%). In summary, the available evidence is currently insufficient to determine the role of this variant in disease. Therefore, it has been classified as a Variant of Uncertain Significance. Algorithms developed to predict the effect of sequence changes on RNA splicing suggest that this variant may create or strengthen a splice site. This variant has not been reported in the literature in individuals affected with MDH2-related conditions.

NM_005918.4(MDH2):c.556-4C>G

Gene: MDH2 (malate dehydrogenase 2; plus strand). Cytogenetic location: 7q11.23.
Variant type: single nucleotide variant.
Coding change: c.556-4C>G on transcript NM_005918.4 (MANE Select); 4 bases into the intron before coding-DNA position 556, C replaced by G.
Molecular consequence: intron variant.
Genome position (GRCh38, 1-based): chr7:76,063,511, C>G. VCF-style: chr7-76063511-C-G. GRCh37 (hg19) VCF-style: chr7-75692829-C-G.
Other names: c.430-4C>G (NM_001282403.2); c.235-4C>G (NM_001282404.2).
Identifiers: ClinVar variation 2014734 (VCV002014734.4), dbSNP rs782818601, ClinGen allele CA4305601.